The following is an entry in ClinVar:

NM_031407.7(HUWE1):c.947C>T (p.Thr316Met)

Gene: HUWE1 (HECT, UBA and WWE domain containing E3 ubiquitin protein ligase 1; minus strand). Cytogenetic location: Xp11.22.
Variant type: single nucleotide variant.
Coding change: c.947C>T on transcript NM_031407.7 (MANE Select); coding-DNA position 947, C replaced by T.
Protein change: p.Thr316Met; replaces threonine 316 with methionine.
Molecular consequence: missense variant.
Genome position (GRCh38, 1-based): chrX:53,629,532, G>A on the plus strand (C>T on the coding strand, the complement: HUWE1 is on the minus strand). VCF-style: chrX-53629532-G-A. GRCh37 (hg19) VCF-style: chrX-53656483-G-A.
Other names: short protein forms T316M.
Identifiers: ClinVar variation 2412952 (VCV002412952.5), dbSNP rs2066734582, ClinGen allele CA413157970.

ClinVar aggregate classification (germline): Uncertain significance. Review status: criteria provided, single submitter (1 of 4 stars). 2 submissions from 2 submitters: Uncertain significance (1). 1 of the submissions does not count toward it. Last evaluated 2022-07-26.

Conditions:
HUWE1-related disorder. Also called: HUWE1-related condition.

Allele frequency attached by ClinVar (database versions not stated): gnomAD exomes below 0.00001; TOPMed 0.00001.
gnomAD v4.1: 4 of 1,180,918 alleles (0.00034%); highest among the groups gnomAD compares: Non-Finnish European, 0.00023%; no homozygotes.

Submissions (2):

GeneDx
Classification: Uncertain significance. Last evaluated: 2022-07-26. Review status: criteria provided, single submitter. Criteria: GeneDx Variant Classification Process June 2021. Collection method: clinical testing. Allele origin: germline. Affected: yes.
Comment: Not observed at significant frequency in large population cohorts (gnomAD); In silico analysis supports that this missense variant does not alter protein structure/function; Has not been previously published as pathogenic or benign to our knowledge

PreventionGenetics, part of Exact Sciences
Classification: Uncertain significance for HUWE1-related condition. Last evaluated: 2023-11-06. Review status: no assertion criteria provided. Collection method: clinical testing. Allele origin: germline. Not counted in ClinVar's aggregate classification.
Comment: The HUWE1 c.947C>T variant is predicted to result in the amino acid substitution p.Thr316Met. To our knowledge, this variant has not been reported in the literature. This variant is reported in 0.0012% of alleles in individuals of European (Non-Finnish) descent in gnomAD. At this time, the clinical significance of this variant is uncertain due to the absence of conclusive functional and genetic evidence.